The following is an entry in ClinVar:

ClinVar aggregate classification (germline): Pathogenic (1 of 4 stars; one submission).

Conditions:
Ehlers-Danlos syndrome due to tenascin-X deficiency (EDSCLL1). Also called: Ehlers-Danlos syndrome, classic-like, 1; EHLERS-DANLOS SYNDROME, CLASSIC-LIKE; TNXB-Related Classical-Like Ehlers-Danlos Syndrome; EDS DUE TO TNX DEFICIENCY; TNX DEFICIENCY. Identifiers: Orphanet 230839, MedGen C1848029, MONDO:0011670, OMIM 606408.

gnomAD v4.1: 2 of 1,548,934 alleles (0.00013%); highest among the groups gnomAD compares: Non-Finnish European, 0.00017%; no homozygotes.

Submission:

Myriad Genetics, Inc.
Classification: Pathogenic for Ehlers-Danlos syndrome due to tenascin-X deficiency. Last evaluated: 2024-09-28. Review status: criteria provided, single submitter. Criteria: Myriad Autosomal Dominant, Autosomal Recessive and X-Linked Classification Criteria (2023). Collection method: clinical testing. Allele origin: unknown.
Comment: NM_019105.6(TNXB):c.2337T>A(Y779*) is expected to be pathogenic in the context of classical-like Ehlers-Danlos syndrome, TNXB-related. This variant is predicted to lead to an abnormal or absent protein product due to the creation of a premature termination codon in TNXB, a gene where loss-of-function variants are known to be pathogenic. Please note: this variant was assessed in the context of healthy population screening.

NM_001365276.2(TNXB):c.2337T>A (p.Tyr779Ter)

Gene: TNXB (tenascin XB; minus strand). Cytogenetic location: 6p21.33.
Variant type: single nucleotide variant.
Coding change: c.2337T>A on transcript NM_001365276.2 (MANE Select); coding-DNA position 2337, T replaced by A.
Protein change: p.Tyr779Ter; replaces tyrosine 779 with a stop codon.
Molecular consequence: nonsense.
Genome position (GRCh38, 1-based): chr6:32,095,097, A>T on the plus strand (T>A on the coding strand, the complement: TNXB is on the minus strand). VCF-style: chr6-32095097-A-T. GRCh37 (hg19) VCF-style: chr6-32062874-A-T.
Other names: c.2337T>A, p.Tyr779Ter (NM_001428335.1, NM_019105.8); short protein forms Y779*.
Identifiers: ClinVar variation 5013589 (VCV005013589.1).
Genomic context (GRCh38, chr6:32,095,097, plus strand): 5'-CCCACTCAGTCCCCTCCTGGAGCCTGGCATCTCTCTCACCGTGGGGATGAACTGAATTTC[A>T]TAGGCATCCACGGGGCCAGGAGCCGGGGTCCACTCTGTCCGAACTGTTGTCTCCTCCAAG-3'